The following is an entry in ClinVar:

NM_000539.3(RHO):c.361G>A (p.Gly121Ser)

Gene: RHO (rhodopsin; plus strand). Cytogenetic location: 3q22.1.
Variant type: single nucleotide variant.
Coding change: c.361G>A on transcript NM_000539.3 (MANE Select); coding-DNA position 361, G replaced by A.
Protein change: p.Gly121Ser; replaces glycine 121 with serine.
Molecular consequence: missense variant.
Genome position (GRCh38, 1-based): chr3:129,529,094, G>A. VCF-style: chr3-129529094-G-A. GRCh37 (hg19) VCF-style: chr3-129247937-G-A.
Other names: short protein forms G121S.
Identifiers: ClinVar variation 984780 (VCV000984780.8), dbSNP rs771637224, ClinGen allele CA2607119.
Genomic context (GRCh38, chr3:129,529,094, plus strand): 5'-GGATACTTCGTCTTCGGGCCCACAGGATGCAATTTGGAGGGCTTCTTTGCCACCCTGGGC[G>A]GTATGAGCCGGGTGTGGGTGGGGTGTGCAGGAGCCCGGGAGCATGGAGGGGTCTGGGAGA-3'
Protein context (NP_000530.1, residues 111-131): NLEGFFATLG[Gly121Ser]EIALWSLVVL

ClinVar aggregate classification (germline): Uncertain significance. Review status: criteria provided, multiple submitters, no conflicts (2 of 4 stars). 2 submissions from 2 submitters: Uncertain significance (2). Last evaluated 2024-04-14.

Conditions:
Severe early-childhood-onset retinal dystrophy (STGD1). Also called: STGD; Stargardt macular dystrophy; Juvenile onset macular degeneration; Stargardt disease 1; MACULAR DYSTROPHY WITH FLECKS, TYPE 1. Identifiers: Orphanet 364055, Orphanet 827, MedGen C1855465, MeSH D000080362, MONDO:0009549, OMIM 248200.

Allele frequency attached by ClinVar (database versions not stated): gnomAD exomes 0.00002 and 0.00001; ExAC 0.00001; gnomAD 0.00003; TOPMed 0.00003.

Submissions (2):

Labcorp Genetics (formerly Invitae), Labcorp
Classification: Uncertain significance. Last evaluated: 2024-04-14. Review status: criteria provided, single submitter. Criteria: Invitae Variant Classification Sherloc (09022015). Collection method: clinical testing. Allele origin: germline.
Comment: This sequence change replaces glycine, which is neutral and non-polar, with serine, which is neutral and polar, at codon 121 of the RHO protein (p.Gly121Ser). This variant also falls at the last nucleotide of exon 1, which is part of the consensus splice site for this exon. This variant is present in population databases (rs771637224, gnomAD 0.002%). This variant has not been reported in the literature in individuals affected with RHO-related conditions. ClinVar contains an entry for this variant (Variation ID: 984780). An algorithm developed to predict the effect of missense changes on protein structure and function (PolyPhen-2) suggests that this variant is likely to be disruptive. Variants that disrupt the consensus splice site are a relatively common cause of aberrant splicing (PMID: 17576681, 9536098). Algorithms developed to predict the effect of sequence changes on RNA splicing suggest that this variant may disrupt the consensus splice site. In summary, the available evidence is currently insufficient to determine the role of this variant in disease. Therefore, it has been classified as a Variant of Uncertain Significance.

Centre for Genomic Medicine, Manchester, Central Manchester University Hospitals
Classification: Uncertain significance for Severe early-childhood-onset retinal dystrophy. Last evaluated: 2020-09-01. Review status: criteria provided, single submitter. Criteria: ACMG Guidelines, 2015. Collection method: clinical testing. Allele origin: germline. Affected: yes. Observed: 1 heterozygote.

Literature cited by the submitters: PubMed 17576681 (cited by Labcorp Genetics (formerly Invitae), Labcorp); PubMed 9536098 (cited by Labcorp Genetics (formerly Invitae), Labcorp).